The following is an entry in ClinVar:

NM_173477.5(USH1G):c.389A>C (p.Lys130Thr)

Gene: USH1G (USH1 protein network component sans; minus strand). Cytogenetic location: 17q25.1.
Variant type: single nucleotide variant.
Coding change: c.389A>C on transcript NM_173477.5 (MANE Select); coding-DNA position 389, A replaced by C.
Protein change: p.Lys130Thr; replaces lysine 130 with threonine.
Molecular consequence: missense variant.
Genome position (GRCh38, 1-based): chr17:74,920,447, T>G on the plus strand (A>C on the coding strand, the complement: USH1G is on the minus strand). VCF-style: chr17-74920447-T-G. GRCh37 (hg19) VCF-style: chr17-72916542-T-G.
Other names: c.80A>C, p.Lys27Thr (NM_001282489.3); short protein forms K27T, K130T.
Identifiers: ClinVar variation 1491822 (VCV001491822.6), dbSNP rs140951373, ClinGen allele CA8754086.

ClinVar aggregate classification (germline): Uncertain significance (1 of 4 stars; one submission).

Allele frequency attached by ClinVar (database versions not stated): gnomAD 0.00001 and 0.00002; gnomAD exomes 0.00001 and 0.00002; ExAC 0.00004; 1000 Genomes Project 30x 0.00031; 1000 Genomes Project 0.00040.
gnomAD v4.1: 15 of 1,613,758 alleles (0.00093%); highest among the groups gnomAD compares: East Asian, 0.033%; no homozygotes.

Submission:

Labcorp Genetics (formerly Invitae), Labcorp
Classification: Uncertain significance. Last evaluated: 2023-10-03. Review status: criteria provided, single submitter. Criteria: Invitae Variant Classification Sherloc (09022015). Collection method: clinical testing. Allele origin: germline.
Comment: This sequence change replaces lysine, which is basic and polar, with threonine, which is neutral and polar, at codon 130 of the USH1G protein (p.Lys130Thr). This variant is present in population databases (rs140951373, gnomAD 0.03%). This variant has not been reported in the literature in individuals affected with USH1G-related conditions. ClinVar contains an entry for this variant (Variation ID: 1491822). Advanced modeling of protein sequence and biophysical properties (such as structural, functional, and spatial information, amino acid conservation, physicochemical variation, residue mobility, and thermodynamic stability) performed at Invitae indicates that this missense variant is expected to disrupt USH1G protein function. In summary, the available evidence is currently insufficient to determine the role of this variant in disease. Therefore, it has been classified as a Variant of Uncertain Significance.